The following is an entry in ClinVar:

NM_004336.5(BUB1):c.3188C>T (p.Thr1063Ile)

Gene: BUB1 (BUB1 mitotic checkpoint serine/threonine kinase; minus strand). Cytogenetic location: 2q13.
Variant type: single nucleotide variant.
Coding change: c.3188C>T on transcript NM_004336.5 (MANE Select); coding-DNA position 3188, C replaced by T.
Protein change: p.Thr1063Ile; replaces threonine 1063 with isoleucine.
Molecular consequence: missense variant.
Genome position (GRCh38, 1-based): chr2:110,638,034, G>A on the plus strand (C>T on the coding strand, the complement: BUB1 is on the minus strand). VCF-style: chr2-110638034-G-A. GRCh37 (hg19) VCF-style: chr2-111395611-G-A.
Other names: c.3128C>T, p.Thr1043Ile (NM_001278616.2); c.3017C>T, p.Thr1006Ile (NM_001278617.2); short protein forms T1006I, T1043I, T1063I.
Identifiers: ClinVar variation 2562180 (VCV002562180.2), dbSNP rs1410562824, ClinGen allele CA348088344.

ClinVar aggregate classification (germline): Uncertain significance (1 of 4 stars; one submission).

Allele frequency attached by ClinVar (database versions not stated): TOPMed below 0.00001.

Submission:

Ambry Genetics
Classification: Uncertain significance. Last evaluated: 2023-04-28. Review status: criteria provided, single submitter. Criteria: Ambry Variant Classification Scheme 2023. Collection method: clinical testing. Allele origin: germline.
Comment: The p.T1063I variant (also known as c.3188C>T), located in coding exon 25 of the BUB1 gene, results from a C to T substitution at nucleotide position 3188. The threonine at codon 1063 is replaced by isoleucine, an amino acid with similar properties. This amino acid position is conserved. In addition, this alteration is predicted to be tolerated by in silico analysis. Since supporting evidence is limited at this time, the clinical significance of this alteration remains unclear.